The following is an entry in ClinVar:

ClinVar aggregate classification (germline): Uncertain significance. Review status: criteria provided, multiple submitters, no conflicts (2 of 4 stars). 3 submissions from 3 submitters: Uncertain significance (3). Last evaluated 2025-12-17.

Conditions:
Ullrich congenital muscular dystrophy 2 (UCMD2). Identifiers: Orphanet 75840, MedGen C4225314, MONDO:0014654, OMIM 616470.
Bethlem myopathy 2 (BTHLM2). Identifiers: Orphanet 536516, Orphanet 610, MedGen C4225313, MONDO:0034022, OMIM 616471.

Allele frequency attached by ClinVar (database versions not stated): ExAC 0.00001; gnomAD 0.00003.
gnomAD v4.1: 26 of 1,610,652 alleles (0.0016%); highest among the groups gnomAD compares: Middle Eastern, 0.016%; no homozygotes.

Submissions (3):

Labcorp Genetics (formerly Invitae), Labcorp
Classification: Uncertain significance for Bethlem myopathy 2; Ullrich congenital muscular dystrophy 2. Last evaluated: 2025-12-17. Review status: criteria provided, single submitter. Criteria: Invitae Variant Classification Sherloc (09022015). Collection method: clinical testing. Allele origin: germline.
Comment: This sequence change replaces alanine, which is neutral and non-polar, with threonine, which is neutral and polar, at codon 2700 of the COL12A1 protein (p.Ala2700Thr). This variant is present in population databases (rs779479987, gnomAD 0.008%). This variant has not been reported in the literature in individuals affected with COL12A1-related conditions. ClinVar contains an entry for this variant (Variation ID: 2039813). An algorithm developed to predict the effect of missense changes on protein structure and function outputs the following: PolyPhen-2: "Benign". The threonine amino acid residue is found in multiple mammalian species, which suggests that this missense change does not adversely affect protein function. In summary, the available evidence is currently insufficient to determine the role of this variant in disease. Therefore, it has been classified as a Variant of Uncertain Significance.

Women's Health and Genetics/Laboratory Corporation of America, LabCorp
Classification: Uncertain significance. Last evaluated: 2025-09-22. Review status: criteria provided, single submitter. Criteria: LabCorp Variant Classification Summary - May 2015. Collection method: clinical testing. Allele origin: germline.
Comment: Variant summary: COL12A1 c.8098G>A (p.Ala2700Thr) results in a non-conservative amino acid change in the encoded protein sequence. Algorithms developed to predict the effect of missense changes on protein structure and function are either unavailable or do not agree on the potential impact of this missense change. Consensus agreement among computation tools predict no significant impact on normal splicing. However, these predictions have yet to be confirmed by functional studies. The variant allele was found at a frequency of 2e-05 in 246858 control chromosomes. The available data on variant occurrences in the general population are insufficient to allow any conclusion about variant significance. To our knowledge, no occurrence of c.8098G>A in individuals affected with COL12A1-related conditions and no experimental evidence demonstrating its impact on protein function have been reported. ClinVar contains an entry for this variant (Variation ID: 2039813). Based on the evidence outlined above, the variant was classified as uncertain significance.

Revvity Omics, Revvity
Classification: Uncertain significance. Last evaluated: 2021-07-14. Review status: criteria provided, single submitter. Criteria: ACMG Guidelines, 2015. Collection method: clinical testing. Allele origin: germline.

NM_004370.6(COL12A1):c.8098G>A (p.Ala2700Thr)

Gene: COL12A1 (collagen type XII alpha 1 chain; minus strand). Cytogenetic location: 6q13.
Variant type: single nucleotide variant.
Coding change: c.8098G>A on transcript NM_004370.6 (MANE Select); coding-DNA position 8098, G replaced by A.
Protein change: p.Ala2700Thr; replaces alanine 2700 with threonine.
Molecular consequence: missense variant.
Genome position (GRCh38, 1-based): chr6:75,109,020, C>T on the plus strand (G>A on the coding strand, the complement: COL12A1 is on the minus strand). VCF-style: chr6-75109020-C-T. GRCh37 (hg19) VCF-style: chr6-75818736-C-T.
Other names: c.4606G>A, p.Ala1536Thr (NM_080645.3); short protein forms A1536T, A2700T.
Identifiers: ClinVar variation 2039813 (VCV002039813.8), dbSNP rs779479987, ClinGen allele CA3892393.
Genomic context (GRCh38, chr6:75,109,020, plus strand): 5'-AAAATGCCATTTCAATCTTAACACAAGGTACCAAGAGAAATAAAAATGTGTTACTCACTG[C>T]GGCTGATTTCCTTTCCCCTTTAAGGAGTTTTCCAAGAATTTCATAACCATCAGTTGTTAT-3'
Protein context (NP_004361.3, residues 2690-2710): KLLKGERKSA[Ala2700Thr]FQIQSFDIVC